The following is an entry in ClinVar:

ClinVar aggregate classification (germline): Uncertain significance. Review status: criteria provided, multiple submitters, no conflicts (2 of 4 stars). 3 submissions from 3 submitters: Uncertain significance (3). Last evaluated 2024-04-22.

Conditions:
Familial steroid-resistant nephrotic syndrome with sensorineural deafness. Identifiers: Orphanet 280406, MedGen C3553349, MONDO:0013836, OMIM 614650.
Inborn genetic diseases. Identifiers: MedGen C0950123, MeSH D030342.

Allele frequency attached by ClinVar (database versions not stated): gnomAD 0.00001; gnomAD exomes 0.00001; TOPMed 0.00001.
gnomAD v4.1: 21 of 1,606,676 alleles (0.0013%); highest among the groups gnomAD compares: Non-Finnish European, 0.0018%; no homozygotes.

Submissions (3):

Fulgent Genetics
Classification: Uncertain significance for Familial steroid-resistant nephrotic syndrome with sensorineural deafness. Last evaluated: 2024-04-22. Review status: criteria provided, single submitter. Criteria: ACMG Guidelines, 2015. Collection method: clinical testing. Allele origin: germline.

Ambry Genetics
Classification: Uncertain significance for Inborn genetic diseases. Last evaluated: 2023-01-10. Review status: criteria provided, single submitter. Criteria: Ambry Variant Classification Scheme 2023. Collection method: clinical testing. Allele origin: germline.
Comment: The c.157G>A (p.A53T) alteration is located in exon 1 (coding exon 1) of the COQ6 gene. This alteration results from a G to A substitution at nucleotide position 157, causing the alanine (A) at amino acid position 53 to be replaced by a threonine (T). The p.A53T alteration is predicted to be tolerated by in silico analysis. Based on insufficient or conflicting evidence, the clinical significance of this alteration remains unclear.

GeneDx
Classification: Uncertain significance. Last evaluated: 2020-10-15. Review status: criteria provided, single submitter. Criteria: GeneDx Variant Classification Process June 2021. Collection method: clinical testing. Allele origin: germline. Affected: yes.
Comment: Not observed at a significant frequency in large population cohorts (Lek et al., 2016); In silico analysis supports that this missense variant has a deleterious effect on protein structure/function; Has not been previously published as pathogenic or benign to our knowledge

NM_182476.3(COQ6):c.157G>A (p.Ala53Thr)

Gene: COQ6 (coenzyme Q6, monooxygenase; plus strand). Cytogenetic location: 14q24.3.
Variant type: single nucleotide variant.
Coding change: c.157G>A on transcript NM_182476.3 (MANE Select); coding-DNA position 157, G replaced by A.
Protein change: p.Ala53Thr; replaces alanine 53 with threonine.
Molecular consequence: missense variant. On other transcripts: intron variant (1).
Genome position (GRCh38, 1-based): chr14:73,950,489, G>A. VCF-style: chr14-73950489-G-A. GRCh37 (hg19) VCF-style: chr14-74417192-G-A.
Other names: c.88+309G>A (NM_182480.3); short protein forms A53T.
Identifiers: ClinVar variation 1303239 (VCV001303239.6), dbSNP rs879576557, ClinGen allele CA263571004.